The following is an entry in ClinVar:

NM_016103.4(SAR1B):c.247C>T (p.Arg83Ter)

Gene: SAR1B (secretion associated Ras related GTPase 1B; minus strand). Cytogenetic location: 5q31.1.
Variant type: single nucleotide variant.
Coding change: c.247C>T on transcript NM_016103.4 (MANE Select); coding-DNA position 247, C replaced by T.
Protein change: p.Arg83Ter; replaces arginine 83 with a stop codon.
Molecular consequence: nonsense.
Genome position (GRCh38, 1-based): chr5:134,609,672, G>A on the plus strand (C>T on the coding strand, the complement: SAR1B is on the minus strand). VCF-style: chr5-134609672-G-A. GRCh37 (hg19) VCF-style: chr5-133945362-G-A.
Other names: c.247C>T, p.Arg83Ter (NM_001033503.3); short protein forms R83*.
Identifiers: ClinVar variation 1325033 (VCV001325033.8), dbSNP rs61749633, ClinGen allele CA3414487.

ClinVar aggregate classification (germline): Pathogenic/Likely pathogenic. Review status: criteria provided, multiple submitters, no conflicts (2 of 4 stars). 2 submissions from 2 submitters: Pathogenic (1); Likely pathogenic (1). Last evaluated 2025-12-16.

Conditions:
Chylomicron retention disease (CMRD). Also called: HYPOBETALIPOPROTEINEMIA WITH ACCUMULATION OF APOLIPOPROTEIN B-LIKE PROTEIN IN INTESTINAL CELLS; LIPID TRANSPORT DEFECT OF INTESTINE. Identifiers: Orphanet 71, MedGen C0795956, MONDO:0009528, OMIM 246700.

Allele frequency attached by ClinVar (database versions not stated): ExAC 0.00001; gnomAD 0.00001; TOPMed 0.00001; gnomAD exomes 0.00005.

Submissions (2):

Labcorp Genetics (formerly Invitae), Labcorp
Classification: Pathogenic. Last evaluated: 2025-12-16. Review status: criteria provided, single submitter. Criteria: Invitae Variant Classification Sherloc (09022015). Collection method: clinical testing. Allele origin: germline.
Comment: This sequence change creates a premature translational stop signal (p.Arg83*) in the SAR1B gene. It is expected to result in an absent or disrupted protein product. Loss-of-function variants in SAR1B are known to be pathogenic (PMID: 12692552, 17945526). This variant is present in population databases (rs61749633, gnomAD 0.03%). This variant has not been reported in the literature in individuals affected with SAR1B-related conditions. ClinVar contains an entry for this variant (Variation ID: 1325033). For these reasons, this variant has been classified as Pathogenic.

Revvity Omics, Revvity
Classification: Likely pathogenic for Chylomicron retention disease. Last evaluated: 2020-02-19. Review status: criteria provided, single submitter. Criteria: ACMG Guidelines, 2015. Collection method: clinical testing. Allele origin: germline.

Literature cited by the submitters: PubMed 12692552 (cited by Labcorp Genetics (formerly Invitae), Labcorp); PubMed 17945526 (cited by Labcorp Genetics (formerly Invitae), Labcorp).